The following is an entry in ClinVar:

ClinVar aggregate classification (germline): Uncertain significance (1 of 4 stars; one submission).

Conditions:
Evans syndrome, immunodeficiency, and premature immunosenescence associated with tripeptidyl-peptidase II deficiency. Identifiers: MedGen CN231723. Disease mechanism: loss of function.

Allele frequency attached by ClinVar (database versions not stated): ExAC 0.00001; gnomAD exomes 0.00001; TOPMed 0.00006.
gnomAD v4.1: 39 of 1,613,586 alleles (0.0024%); highest among the groups gnomAD compares: African/African-American, 0.015%; no homozygotes.

Submission:

Labcorp Genetics (formerly Invitae), Labcorp
Classification: Uncertain significance for Evans syndrome, immunodeficiency, and premature immunosenescence associated with tripeptidyl-peptidase II deficiency. Last evaluated: 2022-04-13. Review status: criteria provided, single submitter. Criteria: Invitae Variant Classification Sherloc (09022015). Collection method: clinical testing. Allele origin: germline.
Comment: In summary, the available evidence is currently insufficient to determine the role of this variant in disease. Therefore, it has been classified as a Variant of Uncertain Significance. Algorithms developed to predict the effect of missense changes on protein structure and function are either unavailable or do not agree on the potential impact of this missense change (SIFT: "Tolerated"; PolyPhen-2: "Possibly Damaging"; Align-GVGD: "Class C0"). ClinVar contains an entry for this variant (Variation ID: 1020545). This variant has not been reported in the literature in individuals affected with TPP2-related conditions. This variant is present in population databases (rs767703689, gnomAD 0.01%). This sequence change replaces leucine, which is neutral and non-polar, with valine, which is neutral and non-polar, at codon 1176 of the TPP2 protein (p.Leu1176Val).

NM_001330588.2(TPP2):c.3565C>G (p.Leu1189Val)

Gene: TPP2 (tripeptidyl peptidase 2; plus strand). Cytogenetic location: 13q33.1.
Variant type: single nucleotide variant.
Coding change: c.3565C>G on transcript NM_001330588.2 (MANE Select); coding-DNA position 3565, C replaced by G.
Protein change: p.Leu1189Val; replaces leucine 1189 with valine.
Molecular consequence: missense variant. On other transcripts: non-coding transcript variant (1).
Genome position (GRCh38, 1-based): chr13:102,674,476, C>G. VCF-style: chr13-102674476-C-G. GRCh37 (hg19) VCF-style: chr13-103326826-C-G.
Other names: c.3652C>G, p.Leu1218Val (NM_001367947.1); c.3526C>G, p.Leu1176Val (NM_003291.4); short protein forms L1176V, L1189V, L1218V.
Identifiers: ClinVar variation 1020545 (VCV001020545.8), dbSNP rs767703689, ClinGen allele CA7038296.